The following is an entry in ClinVar:

NM_001255.3(CDC20):c.965G>A (p.Arg322Gln)

Gene: CDC20 (cell division cycle 20; plus strand). Cytogenetic location: 1p34.2.
Variant type: single nucleotide variant.
Coding change: c.965G>A on transcript NM_001255.3 (MANE Select); coding-DNA position 965, G replaced by A.
Protein change: p.Arg322Gln; replaces arginine 322 with glutamine.
Molecular consequence: missense variant.
Genome position (GRCh38, 1-based): chr1:43,360,849, G>A. VCF-style: chr1-43360849-G-A. GRCh37 (hg19) VCF-style: chr1-43826520-G-A.
Other names: short protein forms R322Q.
Identifiers: ClinVar variation 2443917 (VCV002443917.4), dbSNP rs140305765, ClinGen allele CA807336.

ClinVar aggregate classification (germline): Pathogenic. Review status: criteria provided, single submitter (1 of 4 stars). 2 submissions from 2 submitters: Pathogenic (1). 1 of the submissions does not count toward it.

Conditions:
Oocyte maturation defect 14 (OZEMA14). Also called: OOCYTE/ZYGOTE/EMBRYO MATURATION ARREST 14. Identifiers: MedGen C5830326, MONDO:0859521, OMIM 620276.

Allele frequency attached by ClinVar (database versions not stated): gnomAD exomes 0.00003; gnomAD 0.00005; ExAC 0.00006; ESP Exome Variant Server 0.00008; TOPMed 0.00008.

Submissions (2):

Juno Genomics, Hangzhou Juno Genomics, Inc
Classification: Pathogenic for Oocyte maturation defect 14. Review status: criteria provided, single submitter. Criteria: ACMG Guidelines, 2015. Collection method: clinical testing. Allele origin: germline.
Comment: Absent from controls (or at extremely low frequency if recessive) in Genome Aggregation Database.;For recessive disorders, detected in trans with a pathogenic variant.;Patient's phenotype or family history is highly specific for a disease with a single genetic etiology.;Co-segregation with disease in multiple affected family members.;Multiple lines of computational evidence suggest no impact on gene or gene product.

OMIM
Classification: Pathogenic for OOCYTE/ZYGOTE/EMBRYO MATURATION ARREST 14. Last evaluated: 2023-04-10. Review status: no assertion criteria provided. Collection method: literature only. Allele origin: germline. Not counted in ClinVar's aggregate classification.

Literature cited by the submitters: PubMed 32666501 (cited by OMIM); PubMed 33898437 (cited by OMIM).